The following is an entry in ClinVar:

NM_000448.3(RAG1):c.2810A>G (p.Asn937Ser)

Gene: RAG1 (recombination activating 1; plus strand). Cytogenetic location: 11p12.
Variant type: single nucleotide variant.
Coding change: c.2810A>G on transcript NM_000448.3 (MANE Select); coding-DNA position 2810, A replaced by G.
Protein change: p.Asn937Ser; replaces asparagine 937 with serine.
Molecular consequence: missense variant.
Genome position (GRCh38, 1-based): chr11:36,576,114, A>G. VCF-style: chr11-36576114-A-G. GRCh37 (hg19) VCF-style: chr11-36597664-A-G.
Other names: c.2810A>G, p.Asn937Ser (NM_001377277.1, NM_001377278.1, NM_001377279.1 and 3 more transcripts); short protein forms N937S.
Identifiers: ClinVar variation 4085409 (VCV004085409.8).

ClinVar aggregate classification (germline): Uncertain significance (1 of 4 stars; one submission).

Submission:

CeGaT Center for Human Genetics Tuebingen
Classification: Uncertain significance. Last evaluated: 2025-07-01. Review status: criteria provided, single submitter. Criteria: CeGaT Center For Human Genetics Tuebingen Variant Classification Criteria Version 2. Collection method: clinical testing. Allele origin: germline. Affected: yes. Observed: 1 variant allele.
Comment: RAG1: PM2, PM1:Supporting, PM3:Supporting, PP3